The following is an entry in ClinVar:

ClinVar aggregate classification (germline): Likely benign (1 of 4 stars; one submission).

Conditions:
TULP3-related condition.

gnomAD v4.1: 63 of 1,596,188 alleles (0.0039%); highest among the groups gnomAD compares: East Asian, 0.14%; no homozygotes.

Submission:

PreventionGenetics, part of Exact Sciences
Classification: Likely benign for TULP3-related condition. Last evaluated: 2026-07-09. Review status: criteria provided, single submitter. Criteria: ACMG Guidelines, 2015. Collection method: clinical testing. Allele origin: germline.
Comment: This variant is classified as likely benign based on ACMG/AMP sequence variant interpretation guidelines (Richards et al. 2015 PMID: 25741868, with internal and published modifications).

NM_003324.5(TULP3):c.-9G>T

Gene: TULP3 (TUB like protein 3; plus strand). Cytogenetic location: 12p13.33.
Variant type: single nucleotide variant.
Coding change: c.-9G>T on transcript NM_003324.5 (MANE Select); 9 bases upstream of the start codon, G replaced by T.
Molecular consequence: 5 prime UTR variant.
Genome position (GRCh38, 1-based): chr12:2,890,939, G>T. VCF-style: chr12-2890939-G-T. GRCh37 (hg19) VCF-style: chr12-3000105-G-T.
Other names: c.-9G>T (NM_001160408.2).
Identifiers: ClinVar variation 4982829 (VCV004982829.1).
Genomic context (GRCh38, chr12:2,890,939, plus strand): 5'-GCCAGCCTAGCCACTCTAGCGACGGCGGGGAAGAGTGTGTACGTGGTGGGGGCTTCCTCG[G>T]TGGCGGGCATGGAGGCTTCGCGCTGCCGGCTCAGTCCCAGCGGCGACAGGTCAGACAGGG-3'